The following is an entry in ClinVar:

ClinVar aggregate classification (germline): Uncertain significance (1 of 4 stars; one submission).

gnomAD v4.1: 2 of 1,578,922 alleles (0.00013%); highest among the groups gnomAD compares: African/African-American, 0.0014%; no homozygotes.

Submission:

GeneDx
Classification: Uncertain significance. Last evaluated: 2026-02-20. Review status: criteria provided, single submitter. Criteria: GeneDx Variant Classification Process June 2021. Collection method: clinical testing. Allele origin: germline.
Comment: Not observed at significant frequency in large population cohorts (gnomAD); In silico analysis supports that this missense variant has a deleterious effect on protein structure/function; Has not been previously published as pathogenic or benign to our knowledge

NM_001128840.3(CACNA1D):c.4798G>A (p.Glu1600Lys)

Gene: CACNA1D (calcium voltage-gated channel subunit alpha1 D; plus strand). Cytogenetic location: 3p21.1.
Variant type: single nucleotide variant.
Coding change: c.4798G>A on transcript NM_001128840.3 (MANE Select); coding-DNA position 4798, G replaced by A.
Protein change: p.Glu1600Lys; replaces glutamic acid 1600 with lysine.
Molecular consequence: missense variant.
Genome position (GRCh38, 1-based): chr3:53,786,827, G>A. VCF-style: chr3-53786827-G-A. GRCh37 (hg19) VCF-style: chr3-53820854-G-A.
Other names: c.4858G>A, p.Glu1620Lys (NM_000720.4); c.4753G>A, p.Glu1585Lys (NM_001128839.3); short protein forms E1600K, E1620K, E1585K.
Identifiers: ClinVar variation 5009876 (VCV005009876.1).